The following is an entry in ClinVar:

NM_024675.4(PALB2):c.1000_1013del (p.Tyr334fs)

Gene: PALB2 (partner and localizer of BRCA2; minus strand). Cytogenetic location: 16p12.2.
Variant type: Deletion.
Coding change: c.1000_1013del on transcript NM_024675.4 (MANE Select); coding-DNA positions 1000 to 1013, 14 bases deleted (TACAATAACTTACC).
Protein change: p.Tyr334fs; shifts the reading frame from tyrosine 334.
Molecular consequence: frameshift variant.
Genome position (GRCh38, 1-based): chr16:23,635,533-23,635,546, GGTAAGTTATTGTA deleted on the plus strand (TACAATAACTTACC on the coding strand, the reverse complement: PALB2 is on the minus strand); deleting any 14 consecutive bases within chr16:23,635,533-23,635,549 gives the same sequence; the c. name uses the placement nearest the transcript's 3' end. VCF-style (leftmost placement, unchanged base first): chr16-23635532-TGGTAAGTTATTGTA-T. GRCh37 (hg19) VCF-style: chr16-23646853-TGGTAAGTTATTGTA-T.
Other names: short protein forms Y334fs.
Identifiers: ClinVar variation 923773 (VCV000923773.4), dbSNP rs1967001584, ClinGen allele CA1139664623.

ClinVar aggregate classification (germline): Pathogenic. Review status: criteria provided, multiple submitters, no conflicts (2 of 4 stars). 2 submissions from 2 submitters: Pathogenic (2). Last evaluated 2025-03-03.

Conditions:
Familial cancer of breast. Also called: BREAST CANCER, FAMILIAL; hereditary breast carcinoma; Hereditary breast cancer. Identifiers: Orphanet 227535, MedGen C0346153, MONDO:0016419, OMIM 114480. Disease mechanism: loss of function.
Pancreatic cancer, susceptibility to, 3. Identifiers: Orphanet 1333, MedGen C3150547, MONDO:0013236, OMIM 613348.
Hereditary cancer-predisposing syndrome. Also called: Hereditary Cancer Syndrome; Neoplastic Syndromes, Hereditary; Hereditary neoplastic syndrome; Tumor predisposition. Identifiers: Orphanet 140162, MedGen C0027672, MeSH D009386, MONDO:0015356.

Submissions (2):

Clinical Genetics Laboratory, University Hospital Schleswig-Holstein
Classification: Pathogenic for Pancreatic cancer, susceptibility to, 3; Familial cancer of breast. Last evaluated: 2025-03-03. Review status: criteria provided, single submitter. Criteria: ACMG Guidelines, 2015. Collection method: clinical testing. Allele origin: germline. Affected: yes. Observed: 1 heterozygote.
Comment: ACMG criteria applied: PM2, PS4_Supporting, PVS1

Color Diagnostics, LLC DBA Color Health
Classification: Pathogenic for Hereditary cancer-predisposing syndrome. Last evaluated: 2020-03-16. Review status: criteria provided, single submitter. Criteria: ACMG Guidelines, 2015. Collection method: clinical testing. Allele origin: germline.
Comment: This variant deletes 14 nucleotides in exon 4 of the PALB2 gene, creating a frameshift and premature translation stop signal. This variant is expected to result in an absent or non-functional protein product. To our knowledge, this variant has not been reported in individuals affected with hereditary cancer in the literature. This variant has not been identified in the general population by the Genome Aggregation Database (gnomAD). Loss of PALB2 function is a known mechanism of disease. Based on the available evidence, this variant is classified as Pathogenic.